The following is an entry in ClinVar:

NM_022458.4(LMBR1):c.*2489T>C

Gene: LMBR1 (limb development membrane protein 1; minus strand). Cytogenetic location: 7q36.3.
Variant type: single nucleotide variant.
Coding change: c.*2489T>C on transcript NM_022458.4 (MANE Select); 2489 bases downstream of the stop codon, T replaced by C.
Molecular consequence: 3 prime UTR variant. On other transcripts: non-coding transcript variant (1).
Genome position (GRCh38, 1-based): chr7:156,681,589, A>G on the plus strand (T>C on the coding strand, the complement: LMBR1 is on the minus strand). VCF-style: chr7-156681589-A-G. GRCh37 (hg19) VCF-style: chr7-156474283-A-G.
Other names: c.*2489T>C (NM_001350953.2, NM_001350954.2, NM_001350955.2 and 8 more transcripts).
Identifiers: ClinVar variation 359382 (VCV000359382.5), dbSNP rs191993720, ClinGen allele CA10625546.

ClinVar aggregate classification (germline): Benign (1 of 4 stars; one submission).

Conditions:
Polydactyly of a triphalangeal thumb. Also called: POLYDACTYLY OF TRIPHALANGEAL THUMB; TRIPHALANGEAL THUMB-POLYDACTYLY SYNDROME; Polydactyly, preaxial type II. Identifiers: Orphanet 2439, Orphanet 2950, Orphanet 93336, MedGen C1868114, MONDO:0008270, OMIM 174500.

Allele frequency attached by ClinVar (database versions not stated): 1000 Genomes Project 0.00519; gnomAD 0.00587 and 0.00644; 1000 Genomes Project 30x 0.00593; TOPMed 0.00606.

Submission:

Illumina Laboratory Services, Illumina
Classification: Benign for Polydactyly of a triphalangeal thumb. Last evaluated: 2018-01-12. Review status: criteria provided, single submitter. Criteria: ICSL Variant Classification Criteria 13 December 2019. Collection method: clinical testing. Allele origin: germline.
Comment: This variant was observed in the ICSL laboratory as part of a predisposition screen in an ostensibly healthy population. It had not been previously curated by ICSL or reported in the Human Gene Mutation Database (HGMD: prior to June 1st, 2018), and was therefore a candidate for classification through an automated scoring system. Utilizing variant allele frequency, disease prevalence and penetrance estimates, and inheritance mode, an automated score was calculated to assess if this variant is too frequent to cause the disease. Based on the score and internal cut-off values, a variant classified as benign is not then subjected to further curation. The score for this variant resulted in a classification of benign for this disease.